The following is an entry in ClinVar:

ClinVar aggregate classification (germline): Uncertain significance (1 of 4 stars; one submission).

Conditions:
CDKL5 disorder. Identifiers: MedGen CN296942, MONDO:0100039.

Submission:

Centre for Population Genomics, CPG
Classification: Uncertain significance for CDKL5 disorder. Last evaluated: 2024-07-12. Review status: criteria provided, single submitter. Criteria: McKnight et al. (Hum Mutat. 2022). Collection method: curation. Allele origin: germline. Inheritance: X-linked inheritance.
Comment: This variant has been collected from RettBASE and curated to current modified ACMG/AMP criteria. Based on the classification scheme defined by the ClinGen Rett/Angelman-like Expert Panel for Rett/AS-like Disorders Specifications to the ACMG/AMP Variant Interpretation Guidelines VCEP 3.0, this variant is classified as a variant of uncertain significance. At least the following criteria are met: The variant is observed in at least 1 individual with no features of CDKL5 disorder (BS2_Supporting). PMID23708187 Computational prediction analysis tools suggest no impact on gene product (REVEL score <= 0.15) (BP4). This variant is absent from gnomAD v2/v3 (PM2_Supporting).

NM_001323289.2(CDKL5):c.433C>T (p.His145Tyr)

Gene: CDKL5 (cyclin dependent kinase like 5; plus strand). Cytogenetic location: Xp22.13.
Variant type: single nucleotide variant.
Coding change: c.433C>T on transcript NM_001323289.2 (MANE Select); coding-DNA position 433, C replaced by T.
Protein change: p.His145Tyr; replaces histidine 145 with tyrosine.
Molecular consequence: missense variant.
Genome position (GRCh38, 1-based): chrX:18,581,920, C>T. VCF-style: chrX-18581920-C-T. GRCh37 (hg19) VCF-style: chrX-18600040-C-T.
Other names: NM_003159.3:c.433C>T; c.433C>T, p.His145Tyr (NM_001037343.2, NM_003159.3); short protein forms H145Y.
Identifiers: ClinVar variation 3344013 (VCV003344013.1).